The following is an entry in ClinVar:

ClinVar aggregate classification (germline): Likely pathogenic (1 of 4 stars; one submission).

Conditions:
Glycogen storage disease. Also called: glycogen storage disorder; Disorder of glycogen metabolism. Identifiers: Orphanet 79201, MedGen C0017919, MONDO:0002412.

Submission:

Laboratory for Molecular Medicine, Mass General Brigham Personalized Medicine
Classification: Likely pathogenic for Glycogen storage disease. Last evaluated: 2014-10-02. Review status: criteria provided, single submitter. Criteria: ACMG Guidelines, 2015. Collection method: clinical testing. Allele origin: germline. Inheritance: Autosomal recessive inheritance.
Comment: The p.Gly330AlafsX25 variant in GYS1 has not been previously reported in individuals with disease or in large population studies. This frameshift variant is predicted to alter the protein’s amino acid sequence beginning at position 330 and lead to a premature termination codon 25 amino acids downstream. This alteration is then predicted to lead to a truncated or absent protein. Loss of function variants in GYS1 have been associated with autosomal recessive muscle glycogen storage disease-0. In summary, although additional studies are required to fully establish its clinical significance, the p.Gly330AlafsX25 variant is likely pathogenic.

Literature cited by the submitters: PubMed 19699667; PubMed 17928598; PubMed 21958591.

NM_002103.5(GYS1):c.989_992del (p.Gly330fs)

Gene: GYS1 (glycogen synthase 1; minus strand). Cytogenetic location: 19q13.33.
Variant type: Microsatellite.
Coding change: c.989_992del on transcript NM_002103.5 (MANE Select); coding-DNA positions 989 to 992, 4 bases deleted (GCCG; older notation c.989_992delGCCG).
Protein change: p.Gly330fs; shifts the reading frame from glycine 330.
Molecular consequence: frameshift variant. On other transcripts: non-coding transcript variant (1).
Genome position (GRCh38, 1-based): chr19:48,982,325-48,982,328, CGGC deleted on the plus strand (GCCG on the coding strand, the reverse complement: GYS1 is on the minus strand); deleting any 4 consecutive bases within chr19:48,982,325-48,982,332 gives the same sequence; the c. name uses the placement nearest the transcript's 3' end. VCF-style (leftmost placement, unchanged base first): chr19-48982324-GCGGC-G. GRCh37 (hg19) VCF-style: chr19-49485581-GCGGC-G.
Other names: c.797_800del, p.Gly266fs (NM_001161587.2); short protein forms G266fs, G330fs.
Identifiers: ClinVar variation 3076003 (VCV003076003.1), dbSNP rs2038778316, ClinGen allele CA2340170073.
Genomic context (GRCh38, chr19:48,982,324, plus strand): 5'-ATAGTTGAGCCGAGCCAATGCCTCCAGGAAGACGTCAGCACCCTTGTTGGAGAACTCATA[GCGGC>G]CGGCGATAAAGAAGTATAAGGTCTTGTCCAAGTTGAAGTCCAGATGCCTAAAGAACCCAC-3'